The following is an entry in ClinVar:

ClinVar aggregate classification (germline): Uncertain significance (1 of 4 stars; one submission).

Conditions:
Inborn genetic diseases. Identifiers: MedGen C0950123, MeSH D030342.

Submission:

Ambry Genetics
Classification: Uncertain significance for Inborn genetic diseases. Last evaluated: 2025-11-19. Review status: criteria provided, single submitter. Criteria: Ambry Variant Classification Scheme 2023. Collection method: clinical testing. Allele origin: germline.
Comment: The p.R1467S variant (also known as c.4401G>C), located in coding exon 30 of the ANKRD26 gene, results from a G to C substitution at nucleotide position 4401. The arginine at codon 1467 is replaced by serine, an amino acid with dissimilar properties. This amino acid position is conserved. In addition, this alteration is predicted to be tolerated by in silico analysis. Based on the available evidence, the clinical significance of this variant remains unclear.

NM_014915.3(ANKRD26):c.4401G>C (p.Arg1467Ser)

Gene: ANKRD26 (ankyrin repeat domain 26; minus strand). Cytogenetic location: 10p12.1.
Variant type: single nucleotide variant.
Coding change: c.4401G>C on transcript NM_014915.3 (MANE Select); coding-DNA position 4401, G replaced by C.
Protein change: p.Arg1467Ser; replaces arginine 1467 with serine.
Molecular consequence: missense variant.
Genome position (GRCh38, 1-based): chr10:27,017,607, C>G on the plus strand (G>C on the coding strand, the complement: ANKRD26 is on the minus strand). VCF-style: chr10-27017607-C-G. GRCh37 (hg19) VCF-style: chr10-27306536-C-G.
Other names: c.4398G>C, p.Arg1466Ser (NM_001256053.2); short protein forms R1467S, R1466S.
Identifiers: ClinVar variation 4580069 (VCV004580069.1).
Genomic context (GRCh38, chr10:27,017,607, plus strand): 5'-TCTTGCTCTTTCTTCAATCTCCTGTTTATACTGTTTGACTTGACCAAGTTCTACCATATT[C>G]CTTTCTATATGACTTCTCAGGTTGATCACTTCTTGTTCCAACTTCTTTTTATTCTTCTGT-3'
Protein context (NP_055730.2, residues 1457-1477): EVINLRSHIE[Arg1467Ser]NMVELGQVKQ